The following is an entry in ClinVar:

ClinVar aggregate classification (germline): Uncertain significance. Review status: criteria provided, multiple submitters, no conflicts (2 of 4 stars). 2 submissions from 2 submitters: Uncertain significance (2). Last evaluated 2022-07-01.

Conditions:
Tuberous sclerosis 1 (TSC1). Identifiers: Orphanet 805, MedGen C1854465, MONDO:0008612, OMIM 191100.

Submissions (2):

CeGaT Center for Human Genetics Tuebingen
Classification: Uncertain significance. Last evaluated: 2022-07-01. Review status: criteria provided, single submitter. Criteria: CeGaT Center For Human Genetics Tuebingen Variant Classification Criteria Version 2. Collection method: clinical testing. Allele origin: germline. Affected: yes. Observed: 1 variant allele.
Comment: TSC1: PM2, BP4

Labcorp Genetics (formerly Invitae), Labcorp
Classification: Uncertain significance for Tuberous sclerosis 1. Last evaluated: 2020-04-14. Review status: criteria provided, single submitter. Criteria: Invitae Variant Classification Sherloc (09022015). Collection method: clinical testing. Allele origin: germline.
Comment: In summary, the available evidence is currently insufficient to determine the role of this variant in disease. Therefore, it has been classified as a Variant of Uncertain Significance. Algorithms developed to predict the effect of missense changes on protein structure and function (SIFT, PolyPhen-2, Align-GVGD) all suggest that this variant is likely to be tolerated, but these predictions have not been confirmed by published functional studies and their clinical significance is uncertain. This variant has not been reported in the literature in individuals with TSC1-related conditions. This variant is not present in population databases (ExAC no frequency). This sequence change replaces proline with leucine at codon 412 of the TSC1 protein (p.Pro412Leu). The proline residue is weakly conserved and there is a moderate physicochemical difference between proline and leucine.

NM_000368.5(TSC1):c.1235C>T (p.Pro412Leu)

Gene: TSC1 (TSC complex subunit 1; minus strand). Cytogenetic location: 9q34.13.
Variant type: single nucleotide variant.
Coding change: c.1235C>T on transcript NM_000368.5 (MANE Select); coding-DNA position 1235, C replaced by T.
Protein change: p.Pro412Leu; replaces proline 412 with leucine.
Molecular consequence: missense variant.
Genome position (GRCh38, 1-based): chr9:132,910,599, G>A on the plus strand (C>T on the coding strand, the complement: TSC1 is on the minus strand). VCF-style: chr9-132910599-G-A. GRCh37 (hg19) VCF-style: chr9-135785986-G-A.
Other names: c.1232C>T, p.Pro411Leu (NM_001162426.2); c.1082C>T, p.Pro361Leu (NM_001162427.2); c.872C>T, p.Pro291Leu (NM_001362177.2); short protein forms P291L, P361L, P411L, P412L.
Identifiers: ClinVar variation 1026075 (VCV001026075.32), dbSNP rs1845897946, ClinGen allele CA375366822.